The following is an entry in ClinVar:

NM_000130.5(F5):c.5954T>C (p.Leu1985Pro)

Gene: F5 (coagulation factor V; minus strand). Cytogenetic location: 1q24.2.
Variant type: single nucleotide variant.
Coding change: c.5954T>C on transcript NM_000130.5 (MANE Select); coding-DNA position 5954, T replaced by C.
Protein change: p.Leu1985Pro; replaces leucine 1985 with proline.
Molecular consequence: missense variant.
Genome position (GRCh38, 1-based): chr1:169,523,291, A>G on the plus strand (T>C on the coding strand, the complement: F5 is on the minus strand). VCF-style: chr1-169523291-A-G. GRCh37 (hg19) VCF-style: chr1-169492529-A-G.
Other names: short protein forms L1985P.
Identifiers: ClinVar variation 3511288 (VCV003511288.1).

ClinVar aggregate classification (germline): Uncertain significance (1 of 4 stars; one submission).

Conditions:
Inborn genetic diseases. Identifiers: MedGen C0950123, MeSH D030342.

gnomAD v4.1: 4 of 1,613,986 alleles (0.00025%); highest among the groups gnomAD compares: African/African-American, 0.0013%; no homozygotes.

Submission:

Ambry Genetics
Classification: Uncertain significance for Inborn genetic diseases. Last evaluated: 2024-09-24. Review status: criteria provided, single submitter. Criteria: Ambry Variant Classification Scheme 2023. Collection method: clinical testing. Allele origin: germline.
Comment: The p.L1985P variant (also known as c.5954T>C), located in coding exon 21 of the F5 gene, results from a T to C substitution at nucleotide position 5954. The leucine at codon 1985 is replaced by proline, an amino acid with similar properties. This amino acid position is conserved. In addition, this alteration is predicted to be deleterious by in silico analysis. Based on the available evidence, the clinical significance of this variant remains unclear.